The following is an entry in ClinVar:

NM_020365.5(EIF2B3):c.1023T>G (p.His341Gln)

Gene: EIF2B3 (eukaryotic translation initiation factor 2B subunit gamma; minus strand). Cytogenetic location: 1p34.1.
Variant type: single nucleotide variant.
Coding change: c.1023T>G on transcript NM_020365.5 (MANE Select); coding-DNA position 1023, T replaced by G.
Protein change: p.His341Gln; replaces histidine 341 with glutamine.
Molecular consequence: missense variant.
Genome position (GRCh38, 1-based): chr1:44,875,648, A>C on the plus strand (T>G on the coding strand, the complement: EIF2B3 is on the minus strand). VCF-style: chr1-44875648-A-C. GRCh37 (hg19) VCF-style: chr1-45341320-A-C.
Other names: c.1023T>G, p.His341Gln (NM_001166588.3, NM_001261418.2); short protein forms H341Q.
Identifiers: ClinVar variation 4688390 (VCV004688390.1).
Genomic context (GRCh38, chr1:44,875,648, plus strand): 5'-CATGCCCGTCCTGGCCACACTAGCACTTACCAGGTGTTTGCTGACAATCTGGGCTGACGA[A>C]TGGACTGGTGGTTCTTCTGGACAGAGAGCAGACAGCAATTTGGGCACCTTAAGGACAGAG-3'
Protein context (NP_065098.1, residues 331-351): SALCPEEPPV[His341Gln]SSAQIVSKHL

ClinVar aggregate classification (germline): Uncertain significance (1 of 4 stars; one submission).

Submission:

Women's Health and Genetics/Laboratory Corporation of America, LabCorp
Classification: Uncertain significance. Last evaluated: 2025-12-11. Review status: criteria provided, single submitter. Criteria: LabCorp Variant Classification Summary - May 2015. Collection method: clinical testing. Allele origin: germline.
Comment: Variant summary: EIF2B3 c.1023T>G (p.His341Gln) results in a non-conservative amino acid change in the encoded protein sequence. Algorithms developed to predict the effect of missense changes on protein structure and function are either unavailable or do not agree on the potential impact of this missense change. The variant was absent in 251476 control chromosomes (gnomAD). c.1023T>G has been observed in at least one individual affected with Leukoencephalopathy With Vanishing White Matter (Fogli_2004). These data indicate that the variant may be associated with disease. Two publications report experimental evidence evaluating an impact on protein function and this variant affects the EIF2B3 protein function (Horzinski_2009, Liu_2011). The following publications have been ascertained in the context of this evaluation (PMID: 15136673, 20016818, 21560189). No submitters have cited clinical-significance assessments for this variant to ClinVar. Based on the evidence outlined above, the variant was classified as VUS-possibly pathogenic.

Literature cited by the submitters: PubMed 15136673; PubMed 20016818; PubMed 21560189.